The following is an entry in ClinVar:

NM_003002.4(SDHD):c.10C>T (p.Leu4Phe)

Genes: SDHD (succinate dehydrogenase complex subunit D; plus strand), LOC126861339 (BRD4-independent group 4 enhancer GRCh37_chr11:111957035-111958234; plus strand). Cytogenetic location: 11q23.1.
Variant type: single nucleotide variant.
Coding change: c.10C>T on transcript NM_003002.4 (MANE Select); coding-DNA position 10, C replaced by T.
Protein change: p.Leu4Phe; replaces leucine 4 with phenylalanine.
Molecular consequence: missense variant. On other transcripts: non-coding transcript variant (1).
Genome position (GRCh38, 1-based): chr11:112,086,917, C>T. VCF-style: chr11-112086917-C-T. GRCh37 (hg19) VCF-style: chr11-111957641-C-T.
Other names: c.10C>T, p.Leu4Phe (NM_001276503.2, NM_001276504.2, NM_001276506.2); short protein forms L4F.
Identifiers: ClinVar variation 822168 (VCV000822168.8), dbSNP rs1032016970, ClinGen allele CA228550342.

ClinVar aggregate classification (germline): Uncertain significance. Review status: criteria provided, multiple submitters, no conflicts (2 of 4 stars). 2 submissions from 2 submitters: Uncertain significance (2). Last evaluated 2025-03-08.

Conditions:
Pheochromocytoma. Also called: MAX-Related Hereditary Paraganglioma-Pheochromocytoma Syndrome. Identifiers: Orphanet 29072, MedGen C0031511, MONDO:0008233, OMIM 171300, HP:0002666.
Cowden syndrome 3 (CWS3). Identifiers: Orphanet 201, MedGen CN166604, MONDO:0014045.
Paragangliomas with sensorineural hearing loss. Identifiers: MedGen C1868633.
Carney-Stratakis syndrome. Also called: PARAGANGLIOMA AND GASTROINTESTINAL STROMAL TUMOR. Identifiers: Orphanet 97286, MedGen C1847319, MONDO:0011740, OMIM 606864.
Hereditary cancer-predisposing syndrome. Also called: Tumor predisposition; Hereditary Cancer Syndrome; Neoplastic Syndromes, Hereditary; Hereditary neoplastic syndrome. Identifiers: Orphanet 140162, MedGen C0027672, MeSH D009386, MONDO:0015356.

Allele frequency attached by ClinVar (database versions not stated): gnomAD exomes below 0.00001; TOPMed 0.00001.

Submissions (2):

Ambry Genetics
Classification: Uncertain significance for Hereditary cancer-predisposing syndrome. Last evaluated: 2025-03-08. Review status: criteria provided, single submitter. Criteria: Ambry Variant Classification Scheme 2023. Collection method: clinical testing. Allele origin: germline.
Comment: The p.L4F variant (also known as c.10C>T), located in coding exon 1 of the SDHD gene, results from a C to T substitution at nucleotide position 10. The leucine at codon 4 is replaced by phenylalanine, an amino acid with highly similar properties. This amino acid position is not well conserved in available vertebrate species. In addition, the in silico prediction for this alteration is inconclusive. Since supporting evidence is limited at this time, the clinical significance of this alteration remains unclear.

Labcorp Genetics (formerly Invitae), Labcorp
Classification: Uncertain significance for Carney-Stratakis syndrome; Paragangliomas with sensorineural hearing loss; Pheochromocytoma; Cowden syndrome 3. Last evaluated: 2021-09-01. Review status: criteria provided, single submitter. Criteria: Invitae Variant Classification Sherloc (09022015). Collection method: clinical testing. Allele origin: germline.
Comment: This sequence change replaces leucine with phenylalanine at codon 4 of the SDHD protein (p.Leu4Phe). The leucine residue is moderately conserved and there is a small physicochemical difference between leucine and phenylalanine. This variant is not present in population databases (ExAC no frequency). This variant has not been reported in the literature in individuals affected with SDHD-related conditions. ClinVar contains an entry for this variant (Variation ID: 822168). Advanced modeling of protein sequence and biophysical properties (such as structural, functional, and spatial information, amino acid conservation, physicochemical variation, residue mobility, and thermodynamic stability) performed at Invitae indicates that this missense variant is not expected to disrupt SDHD protein function. In summary, the available evidence is currently insufficient to determine the role of this variant in disease. Therefore, it has been classified as a Variant of Uncertain Significance.